The following is an entry in ClinVar:

ClinVar aggregate classification (germline): Uncertain significance. Review status: criteria provided, multiple submitters, no conflicts (2 of 4 stars). 2 submissions from 2 submitters: Uncertain significance (2). Last evaluated 2024-07-27.

Conditions:
Agammaglobulinemia 3, autosomal recessive (AGM3). Also called: AGAMMAGLOBULINEMIA 3; AGAMMAGLOBULINEMIA, AUTOSOMAL RECESSIVE, DUE TO CD79A DEFECT. Identifiers: MedGen C3150751, MONDO:0013288, OMIM 613501.

Allele frequency attached by ClinVar (database versions not stated): ExAC 0.00014; 1000 Genomes Project 0.00020; 1000 Genomes Project 30x 0.00031; TOPMed 0.00048; ESP Exome Variant Server 0.00054.

Submissions (2):

Ambry Genetics
Classification: Uncertain significance. Last evaluated: 2024-07-27. Review status: criteria provided, single submitter. Criteria: Ambry Variant Classification Scheme 2023. Collection method: clinical testing. Allele origin: germline.

Labcorp Genetics (formerly Invitae), Labcorp
Classification: Uncertain significance for Agammaglobulinemia 3, autosomal recessive. Last evaluated: 2022-10-25. Review status: criteria provided, single submitter. Criteria: Invitae Variant Classification Sherloc (09022015). Collection method: clinical testing. Allele origin: germline.
Comment: This sequence change replaces asparagine, which is neutral and polar, with serine, which is neutral and polar, at codon 63 of the CD79A protein (p.Asn63Ser). This variant is present in population databases (rs151224661, gnomAD 0.1%). This variant has not been reported in the literature in individuals affected with CD79A-related conditions. ClinVar contains an entry for this variant (Variation ID: 646670). Algorithms developed to predict the effect of missense changes on protein structure and function are either unavailable or do not agree on the potential impact of this missense change (SIFT: "Tolerated"; PolyPhen-2: "Possibly Damaging"; Align-GVGD: "Class C0"). In summary, the available evidence is currently insufficient to determine the role of this variant in disease. Therefore, it has been classified as a Variant of Uncertain Significance.

NM_001783.4(CD79A):c.188A>G (p.Asn63Ser)

Genes: RPS19-CD79A (RPS19-CD79A readthrough; plus strand), CD79A (CD79a molecule; plus strand). Cytogenetic location: 19q13.2.
Variant type: single nucleotide variant.
Coding change: c.188A>G on transcript NM_001783.4 (MANE Select); coding-DNA position 188, A replaced by G.
Protein change: p.Asn63Ser; replaces asparagine 63 with serine.
Molecular consequence: missense variant.
Genome position (GRCh38, 1-based): chr19:41,879,098, A>G. VCF-style: chr19-41879098-A-G. GRCh37 (hg19) VCF-style: chr19-42383168-A-G.
Other names: c.188A>G, p.Asn63Ser (NM_021601.4); short protein forms N63S.
Identifiers: ClinVar variation 646670 (VCV000646670.7), dbSNP rs151224661, ClinGen allele CA9465534.
Genomic context (GRCh38, chr19:41,879,098, plus strand): 5'-TGGTGAGCCTGGGGGAAGACGCCCACTTCCAATGCCCGCACAATAGCAGCAACAACGCCA[A>G]CGTCACCTGGTGGCGCGTCCTCCATGGCAACTACACGTGGCCCCCTGAGTTCTTGGGCCC-3'
Protein context (NP_001774.1, residues 53-73): QCPHNSSNNA[Asn63Ser]VTWWRVLHGN